The following is an entry in ClinVar:

NM_012470.4(TNPO3):c.2653G>A (p.Val885Met)

Gene: TNPO3 (transportin 3; minus strand). Cytogenetic location: 7q32.1.
Variant type: single nucleotide variant.
Coding change: c.2653G>A on transcript NM_012470.4 (MANE Select); coding-DNA position 2653, G replaced by A.
Protein change: p.Val885Met; replaces valine 885 with methionine.
Molecular consequence: missense variant. On other transcripts: non-coding transcript variant (18).
Genome position (GRCh38, 1-based): chr7:128,967,338, C>T on the plus strand (G>A on the coding strand, the complement: TNPO3 is on the minus strand). VCF-style: chr7-128967338-C-T. GRCh37 (hg19) VCF-style: chr7-128607392-C-T.
Other names: c.2461G>A, p.Val821Met (NM_001191028.3, NM_001382223.1); c.2755G>A, p.Val919Met (NM_001382216.1); c.2734G>A, p.Val912Met (NM_001382217.1); c.2653G>A, p.Val885Met (NM_001382218.1); c.2545G>A, p.Val849Met (NM_001382219.1); c.2512G>A, p.Val838Met (NM_001382220.1); c.2509G>A, p.Val837Met (NM_001382221.1); c.2506G>A, p.Val836Met (NM_001382222.1); short protein forms V885M, V821M, V836M, V837M, V838M, V849M, V912M, V919M.
Identifiers: ClinVar variation 593072 (VCV000593072.10), dbSNP rs545012511, ClinGen allele CA4477817.

ClinVar aggregate classification (germline): Uncertain significance. Review status: criteria provided, multiple submitters, no conflicts (2 of 4 stars). 2 submissions from 2 submitters: Uncertain significance (2). Last evaluated 2025-07-21.

Conditions:
Autosomal dominant limb-girdle muscular dystrophy type 1F (LGMDD2). Also called: MUSCULAR DYSTROPHY, LIMB-GIRDLE, AUTOSOMAL DOMINANT 2; Limb-girdle muscular dystrophy, type 1F. Identifiers: Orphanet 55595, MedGen C1842062, MONDO:0012034, OMIM 608423.

Allele frequency attached by ClinVar (database versions not stated): TOPMed below 0.00001; gnomAD 0.00001 and 0.00002; gnomAD exomes 0.00001; ExAC 0.00002; 1000 Genomes Project 30x 0.00016; 1000 Genomes Project 0.00020.
gnomAD v4.1: 13 of 1,614,038 alleles (0.00081%); highest among the groups gnomAD compares: South Asian, 0.0022%; no homozygotes.

Submissions (2):

Labcorp Genetics (formerly Invitae), Labcorp
Classification: Uncertain significance for Autosomal dominant limb-girdle muscular dystrophy type 1F. Last evaluated: 2025-07-21. Review status: criteria provided, single submitter. Criteria: Invitae Variant Classification Sherloc (09022015). Collection method: clinical testing. Allele origin: germline.
Comment: This sequence change replaces valine, which is neutral and non-polar, with methionine, which is neutral and non-polar, at codon 885 of the TNPO3 protein (p.Val885Met). This variant is present in population databases (rs545012511, gnomAD 0.003%). This variant has not been reported in the literature in individuals affected with TNPO3-related conditions. ClinVar contains an entry for this variant (Variation ID: 593072). An algorithm developed to predict the effect of missense changes on protein structure and function (PolyPhen-2) suggests that this variant is likely to be tolerated. In summary, the available evidence is currently insufficient to determine the role of this variant in disease. Therefore, it has been classified as a Variant of Uncertain Significance.

Eurofins Ntd Llc (ga)
Classification: Uncertain significance. Last evaluated: 2017-07-10. Review status: criteria provided, single submitter. Criteria: EGL Classification Definitions 2015. Collection method: clinical testing. Allele origin: germline. Observed: 1 variant allele, 1 heterozygote.